The following is an entry in ClinVar:

ClinVar aggregate classification (germline): Pathogenic (1 of 4 stars; one submission).

Conditions:
Autosomal recessive primary microcephaly. Identifiers: Orphanet 2512, MedGen C3711387, MONDO:0016660.

Submission:

Women's Health and Genetics/Laboratory Corporation of America, LabCorp
Classification: Pathogenic for Autosomal recessive primary microcephaly. Last evaluated: 2025-05-02. Review status: criteria provided, single submitter. Criteria: LabCorp Variant Classification Summary - May 2015. Collection method: clinical testing. Allele origin: germline.
Comment: Variant summary: MCPH1 c.2312delC (p.Pro771GlnfsX8) results in a premature termination codon, predicted to cause a truncation of the encoded protein or absence of the protein due to nonsense mediated decay, which are commonly known mechanisms for disease. The variant was absent in 249476 control chromosomes. To our knowledge, no occurrence of c.2312delC in individuals affected with Primary microcephaly and no experimental evidence demonstrating its impact on protein function have been reported. No submitters have cited clinical-significance assessments for this variant to ClinVar. Based on the evidence outlined above, the variant was classified as pathogenic.

NM_024596.5(MCPH1):c.2312del (p.Pro771fs)

Genes: MCPH1 (microcephalin 1; plus strand), MCPH1-AS1 (MCPH1 antisense RNA 1; minus strand). Cytogenetic location: 8p23.1.
Variant type: Deletion.
Coding change: c.2312del on transcript NM_024596.5 (MANE Select); coding-DNA position 2312, one base deleted (C; older notation c.2312delC).
Protein change: p.Pro771fs; shifts the reading frame from proline 771.
Molecular consequence: frameshift variant. On other transcripts: non-coding transcript variant (1).
Genome position (GRCh38, 1-based): chr8:6,621,551, C deleted; the last of 6 consecutive C bases (chr8:6,621,546-6,621,551); deleting any one gives the same sequence. VCF-style (leftmost placement, unchanged base first): chr8-6621545-GC-G. GRCh37 (hg19) VCF-style: chr8-6479066-GC-G.
Other names: c.2312del, p.Pro771fs (NM_001322042.2, NM_001363979.1, NM_001410917.1); c.2033del, p.Pro678fs (NM_001363980.2); c.2312delC (NM_024596.5); short protein forms P678fs, P771fs.
Identifiers: ClinVar variation 3902579 (VCV003902579.1).